The following is an entry in ClinVar:

ClinVar aggregate classification (germline): Benign (1 of 4 stars; one submission).

Allele frequency attached by ClinVar (database versions not stated): gnomAD 0.10003 and 0.10290; TOPMed 0.11735; 1000 Genomes Project 0.13616; 1000 Genomes Project 30x 0.13798.
gnomAD v4.1: 11,020 of 110,966 alleles (9.9%); highest among the groups gnomAD compares: African/African-American, 23%; 764 homozygotes.

Submission:

GeneDx
Classification: Benign. Last evaluated: 2018-06-14. Review status: criteria provided, single submitter. Criteria: GeneDx Variant Classification (06012015). Collection method: clinical testing. Allele origin: germline. Affected: yes.
Comment: This variant is considered likely benign or benign based on one or more of the following criteria: it is a conservative change, it occurs at a poorly conserved position in the protein, it is predicted to be benign by multiple in silico algorithms, and/or has population frequency not consistent with disease.

NM_004006.3(DMD):c.93+303T>A

Gene: DMD (dystrophin; minus strand). Cytogenetic location: Xp21.1.
Variant type: single nucleotide variant.
Coding change: c.93+303T>A on transcript NM_004006.3 (MANE Select); 303 bases into the intron after coding-DNA position 93, T replaced by A.
Molecular consequence: intron variant.
Genome position (GRCh38, 1-based): chrX:33,019,836, A>T on the plus strand (T>A on the coding strand, the complement: DMD is on the minus strand). VCF-style: chrX-33019836-A-T. GRCh37 (hg19) VCF-style: chrX-33037953-A-T.
Other names: c.69+303T>A (NM_000109.4); c.81+303T>A (NM_004009.3); c.-277+303T>A (NM_004010.3).
Identifiers: ClinVar variation 680688 (VCV000680688.1), dbSNP rs2025666, ClinGen allele CA328597023.
Genomic context (GRCh38, chrX:33,019,836, plus strand): 5'-ACAAAAAAATGATAATTTTCACAACAAAATTCCCTCATATCTTCTTCTGCTGGGTGACAT[A>T]TTCTAGCTACTTGATGGAAGATTGCAGCTATAAACTCTGAGGACTCATGTCATTAAAGAA-3'